The following is an entry in ClinVar:

NM_005257.6(GATA6):c.1646_1666del (p.Ala549_Pro555del)

Gene: GATA6 (GATA binding protein 6; plus strand). Cytogenetic location: 18q11.2.
Variant type: Deletion.
Coding change: c.1646_1666del on transcript NM_005257.6 (MANE Select); coding-DNA positions 1646 to 1666, 21 bases deleted (CGGGAGAGAGCACCAATCCCG).
Protein change: p.Ala549_Pro555del.
Molecular consequence: inframe deletion.
Genome position (GRCh38, 1-based): chr18:22,200,681-22,200,701, CGGGAGAGAGCACCAATCCCG deleted; deleting any 21 consecutive bases within chr18:22,200,680-22,200,701 gives the same sequence; the c. name uses the placement nearest the transcript's 3' end. VCF-style (leftmost placement, unchanged base first): chr18-22200679-TGCGGGAGAGAGCACCAATCCC-T. GRCh37 (hg19) VCF-style: chr18-19780642-TGCGGGAGAGAGCACCAATCCC-T.
Identifiers: ClinVar variation 3253041 (VCV003253041.1), dbSNP rs2510640111.

ClinVar aggregate classification (germline): Uncertain significance (1 of 4 stars; one submission).

Submission:

GeneDx
Classification: Uncertain significance. Last evaluated: 2023-10-06. Review status: criteria provided, single submitter. Criteria: GeneDx Variant Classification Process June 2021. Collection method: clinical testing. Allele origin: germline. Affected: yes.
Comment: Not observed at significant frequency in large population cohorts (gnomAD); In-frame deletion of 7 amino acids in a non-repeat region; In silico analysis supports a deleterious effect on protein structure/function; Has not been previously published as pathogenic or benign to our knowledge